The following is an entry in ClinVar:

ClinVar aggregate classification (germline): Conflicting classifications of pathogenicity. Review status: criteria provided, conflicting classifications (1 of 4 stars). 2 submissions from 2 submitters: Uncertain significance (1); Likely benign (1). Last evaluated 2021-11-05.

Conditions:
Nemaline myopathy 10 (NEM10). Identifiers: MedGen C4015360, MONDO:0014513, OMIM 616165.
Inborn genetic diseases. Identifiers: MedGen C0950123, MeSH D030342.

Allele frequency attached by ClinVar (database versions not stated): TOPMed 0.00001; gnomAD 0.00002; gnomAD exomes 0.00005.

Submissions (2):

Labcorp Genetics (formerly Invitae), Labcorp
Classification: Uncertain significance for Nemaline myopathy 10. Last evaluated: 2021-11-05. Review status: criteria provided, single submitter. Criteria: Invitae Variant Classification Sherloc (09022015). Collection method: clinical testing. Allele origin: germline.
Comment: This sequence change replaces aspartic acid, which is acidic and polar, with glycine, which is neutral and non-polar, at codon 154 of the LMOD3 protein (p.Asp154Gly). This variant is present in population databases (rs773327736, gnomAD 0.001%). This variant has not been reported in the literature in individuals affected with LMOD3-related conditions. Algorithms developed to predict the effect of missense changes on protein structure and function output the following: SIFT: "Deleterious"; PolyPhen-2: "Benign"; Align-GVGD: "Class C0". The glycine amino acid residue is found in multiple mammalian species, which suggests that this missense change does not adversely affect protein function. Algorithms developed to predict the effect of sequence changes on RNA splicing suggest that this variant may create or strengthen a splice site. In summary, the available evidence is currently insufficient to determine the role of this variant in disease. Therefore, it has been classified as a Variant of Uncertain Significance.

Ambry Genetics
Classification: Likely benign for Inborn genetic diseases. Last evaluated: 2021-06-22. Review status: criteria provided, single submitter. Criteria: Ambry Variant Classification Scheme 2023. Collection method: clinical testing. Allele origin: germline.

NM_198271.5(LMOD3):c.461A>G (p.Asp154Gly)

Gene: LMOD3 (leiomodin 3; minus strand). Cytogenetic location: 3p14.1.
Variant type: single nucleotide variant.
Coding change: c.461A>G on transcript NM_198271.5 (MANE Select); coding-DNA position 461, A replaced by G.
Protein change: p.Asp154Gly; replaces aspartic acid 154 with glycine.
Molecular consequence: missense variant.
Genome position (GRCh38, 1-based): chr3:69,119,894, T>C on the plus strand (A>G on the coding strand, the complement: LMOD3 is on the minus strand). VCF-style: chr3-69119894-T-C. GRCh37 (hg19) VCF-style: chr3-69169045-T-C.
Other names: c.461A>G, p.Asp154Gly (NM_001304418.3); c.461A>G (NM_198271.3); short protein forms D154G.
Identifiers: ClinVar variation 1466216 (VCV001466216.4), dbSNP rs773327736, ClinGen allele CA2488979.
Genomic context (GRCh38, chr3:69,119,894, plus strand): 5'-TCCTCTTCTCTGTTCGTTTCTTCACTCTCTTCACCATCATCTTCTCCTTCGTCGTCATCA[T>C]CATCATCTTCTTCTTCTTCATCTTCTTCATCTGTTTCTTGGATATTGCTGCTGCCCTTTG-3'
Protein context (NP_938012.2, residues 144-164): DEEDEEEEDD[Asp154Gly]DDDEGEDDGE